The following is an entry in ClinVar:

ClinVar aggregate classification (germline): Uncertain significance (1 of 4 stars; one submission).

Conditions:
Periodic fever-infantile enterocolitis-autoinflammatory syndrome. Also called: Autoinflammation with infantile enterocolitis. Identifiers: Orphanet 436166, MedGen C4015067, MONDO:0014472, OMIM 616050.
Familial cold autoinflammatory syndrome 4 (FCAS4). Identifiers: Orphanet 47045, Orphanet 576349, MedGen C4015276, MONDO:0014498, OMIM 616115.

Allele frequency attached by ClinVar (database versions not stated): gnomAD exomes below 0.00001.
gnomAD v4.1: 6 of 1,614,218 alleles (0.00037%); highest among the groups gnomAD compares: Non-Finnish European, 0.00051%; no homozygotes.

Submissions (2):

Labcorp Genetics (formerly Invitae), Labcorp
Classification: Uncertain significance for Periodic fever-infantile enterocolitis-autoinflammatory syndrome; Familial cold autoinflammatory syndrome 4. Last evaluated: 2024-12-16. Review status: criteria provided, single submitter. Criteria: Invitae Variant Classification Sherloc (09022015). Collection method: clinical testing. Allele origin: germline.
Comment: This sequence change replaces asparagine, which is neutral and polar, with lysine, which is basic and polar, at codon 604 of the NLRC4 protein (p.Asn604Lys). This variant is not present in population databases (gnomAD no frequency). This variant has not been reported in the literature in individuals affected with NLRC4-related conditions. ClinVar contains an entry for this variant (Variation ID: 2937506). Invitae Evidence Modeling of protein sequence and biophysical properties (such as structural, functional, and spatial information, amino acid conservation, physicochemical variation, residue mobility, and thermodynamic stability) indicates that this missense variant is not expected to disrupt NLRC4 protein function with a negative predictive value of 80%. In summary, the available evidence is currently insufficient to determine the role of this variant in disease. Therefore, it has been classified as a Variant of Uncertain Significance.

Dr. Peter K. Rogan Lab, Western University
No classification provided (evidence only). Condition: Uterine corpus endometrial carcinoma. Review status: no classification provided. Collection method: in vitro. Allele origin: not applicable. Functional consequence: retained intron. Not counted in ClinVar's aggregate classification.

NM_001199138.2(NLRC4):c.1812T>G (p.Asn604Lys)

Gene: NLRC4 (NLR family CARD domain containing 4; minus strand). Cytogenetic location: 2p22.3.
Variant type: single nucleotide variant.
Coding change: c.1812T>G on transcript NM_001199138.2 (MANE Select); coding-DNA position 1812, T replaced by G.
Protein change: p.Asn604Lys; replaces asparagine 604 with lysine.
Molecular consequence: missense variant. On other transcripts: intron variant (1).
Genome position (GRCh38, 1-based): chr2:32,250,052, A>C on the plus strand (T>G on the coding strand, the complement: NLRC4 is on the minus strand). VCF-style: chr2-32250052-A-C. GRCh37 (hg19) VCF-style: chr2-32475121-A-C.
Other names: c.1812T>G, p.Asn604Lys (NM_001199139.2, NM_021209.5); c.262+2367T>G (NM_001302504.1); short protein forms N604K.
Identifiers: ClinVar variation 2937506 (VCV002937506.4), dbSNP rs148872219, ClinGen allele CA346511642.